The following is an entry in ClinVar:

ClinVar aggregate classification (germline): Uncertain significance (1 of 4 stars; one submission).

Allele frequency attached by ClinVar (database versions not stated): ExAC 0.00001.
gnomAD v4.1: 2 of 1,613,166 alleles (0.00012%); highest among the groups gnomAD compares: Admixed American, 0.0017%; no homozygotes.

Submission:

GeneDx
Classification: Uncertain significance. Last evaluated: 2023-02-08. Review status: criteria provided, single submitter. Criteria: GeneDx Variant Classification Process June 2021. Collection method: clinical testing. Allele origin: germline. Affected: yes.
Comment: Not observed at significant frequency in large population cohorts (gnomAD); In silico analysis supports that this missense variant does not alter protein structure/function; Has not been previously published as pathogenic or benign to our knowledge

NM_153240.5(NPHP3):c.3776G>A (p.Arg1259Gln)

Genes: NPHP3 (nephrocystin 3; minus strand), NPHP3-ACAD11 (NPHP3-ACAD11 readthrough (NMD candidate); minus strand). Cytogenetic location: 3q22.1.
Variant type: single nucleotide variant.
Coding change: c.3776G>A on transcript NM_153240.5 (MANE Select); coding-DNA position 3776, G replaced by A.
Protein change: p.Arg1259Gln; replaces arginine 1259 with glutamine.
Molecular consequence: missense variant. On other transcripts: non-coding transcript variant (1).
Genome position (GRCh38, 1-based): chr3:132,682,739, C>T on the plus strand (G>A on the coding strand, the complement: NPHP3 is on the minus strand). VCF-style: chr3-132682739-C-T. GRCh37 (hg19) VCF-style: chr3-132401583-C-T.
Other names: short protein forms R1259Q.
Identifiers: ClinVar variation 2575788 (VCV002575788.1), dbSNP rs748465701, ClinGen allele CA2621646.